The following is an entry in ClinVar:

NM_004415.4(DSP):c.6479G>A (p.Arg2160Gln)

Gene: DSP (desmoplakin; plus strand). Cytogenetic location: 6p24.3.
Variant type: single nucleotide variant.
Coding change: c.6479G>A on transcript NM_004415.4 (MANE Select); coding-DNA position 6479, G replaced by A.
Protein change: p.Arg2160Gln; replaces arginine 2160 with glutamine.
Molecular consequence: missense variant.
Genome position (GRCh38, 1-based): chr6:7,583,741, G>A. VCF-style: chr6-7583741-G-A. GRCh37 (hg19) VCF-style: chr6-7583974-G-A.
Other names: p.R2160Q:CGA>CAA; c.4682G>A, p.Arg1561Gln (NM_001008844.3); c.5150G>A, p.Arg1717Gln (NM_001319034.2); c.6479G>A (LRG_423t1, NM_004415.3); short protein forms R2160Q, R1561Q, R1717Q.
Identifiers: ClinVar variation 199904 (VCV000199904.29), dbSNP rs146642551, ClinGen allele CA006950.

ClinVar aggregate classification (germline): Conflicting classifications of pathogenicity. Review status: criteria provided, conflicting classifications (1 of 4 stars). 11 submissions from 9 submitters: Uncertain significance (10); Benign (1). Last evaluated 2026-09-21.

Conditions:
DSP-related disorder. Also called: DSP-related disorders; DSP-related condition.
Arrhythmogenic right ventricular dysplasia 8 (ARVD8). Also called: Arrhythmogenic Right Ventricular Dysplasia/Cardiomyopathy 8; ARRHYTHMOGENIC RIGHT VENTRICULAR DYSPLASIA, FAMILIAL, 8; ARRHYTHMOGENIC RIGHT VENTRICULAR CARDIOMYOPATHY 8. Identifiers: MedGen C1843896, MONDO:0011831, OMIM 607450.
Arrhythmogenic cardiomyopathy with wooly hair and keratoderma. Also called: Dilated cardiomyopathy with woolly hair and keratoderma; Arrhythmogenic cardiomyopathy with woolly hair and keratoderma; Carvajal syndrome; PALMOPLANTAR KERATODERMA WITH LEFT VENTRICULAR CARDIOMYOPATHY AND WOOLLY HAIR. Identifiers: Orphanet 65282, MedGen C1854063, MONDO:0011581, OMIM 605676.
Cardiomyopathy, dilated, with wooly hair, keratoderma, and tooth agenesis. Also called: Cardiomyopathy, dilated, with woolly hair, keratoderma, and tooth agenesis; Erythrokeratodermia-cardiomyopathy syndrome. Identifiers: Orphanet 476096, Orphanet 65282, MedGen C4014393, MONDO:0014355, OMIM 615821.
Cardiovascular phenotype. Identifiers: MedGen CN230736.
Woolly hair-skin fragility syndrome (WHSF). Identifiers: Orphanet 293165, MedGen C1843292, MONDO:0957307, OMIM 620415.
Keratosis palmoplantaris striata 2. Also called: Keratosis palmoplantaris striata II; KERATODERMA, PALMOPLANTAR, STRIATE FORM II; STRIATE PALMOPLANTAR KERATODERMA II. Identifiers: MedGen C1852127, MONDO:0013034, OMIM 612908.
Lethal acantholytic epidermolysis bullosa (EBLA). Identifiers: Orphanet 158687, MedGen C1864826, MONDO:0012323, OMIM 609638.
Cardiomyopathy (CMYO). Also called: Cardiomyopathies. Identifiers: Orphanet 167848, MedGen C0878544, MONDO:0004994, HP:0001638. Inheritance: Various modes of inheritance.

Allele frequency attached by ClinVar (database versions not stated): ExAC 0.00004; TOPMed 0.00007; ESP Exome Variant Server 0.00008; gnomAD 0.00016.
gnomAD v4.1: 65 of 1,613,870 alleles (0.004%); highest among the groups gnomAD compares: African/African-American, 0.012%; no homozygotes.

Submissions (11):

PreventionGenetics, part of Exact Sciences
Classification: Uncertain significance for DSP-related condition. Last evaluated: 2026-09-21. Review status: criteria provided, single submitter. Criteria: ACMG Guidelines, 2015. Collection method: clinical testing. Allele origin: germline.
Comment: The DSP c.6479G>A variant is predicted to result in the amino acid substitution p.Arg2160Gln. To our knowledge, this variant has not been reported in the literature. This variant is reported in 0.016% of alleles in individuals of African descent in gnomAD. At this time, the clinical significance of this variant is uncertain due to the absence of conclusive functional and genetic evidence.

Labcorp Genetics (formerly Invitae), Labcorp
Classification: Benign for Arrhythmogenic cardiomyopathy with wooly hair and keratoderma; Arrhythmogenic right ventricular dysplasia 8. Last evaluated: 2026-01-14. Review status: criteria provided, single submitter. Criteria: Invitae Variant Classification Sherloc (09022015). Collection method: clinical testing. Allele origin: germline.

Ambry Genetics
Classification: Uncertain significance for Cardiovascular phenotype. Last evaluated: 2025-02-18. Review status: criteria provided, single submitter. Criteria: Ambry Variant Classification Scheme 2023. Collection method: clinical testing. Allele origin: germline.
Comment: The p.R2160Q variant (also known as c.6479G>A), located in coding exon 24 of the DSP gene, results from a G to A substitution at nucleotide position 6479. The arginine at codon 2160 is replaced by glutamine, an amino acid with highly similar properties. This amino acid position is well conserved in available vertebrate species. In addition, this alteration is predicted to be tolerated by in silico analysis. Since supporting evidence is limited at this time, the clinical significance of this alteration remains unclear.

GeneDx
Classification: Uncertain significance. Last evaluated: 2024-09-03. Review status: criteria provided, single submitter. Criteria: GeneDx Variant Classification Process June 2021. Collection method: clinical testing. Allele origin: germline. Affected: yes.
Comment: Has not been previously published as pathogenic or benign to our knowledge; In silico analysis indicates that this missense variant does not alter protein structure/function

All of Us Research Program, National Institutes of Health
Classification: Uncertain significance for Arrhythmogenic cardiomyopathy with wooly hair and keratoderma. Last evaluated: 2024-07-29. Review status: criteria provided, single submitter. Criteria: ACMG Guidelines, 2015. Collection method: clinical testing. Allele origin: germline. Inheritance: Autosomal dominant inheritance. Observed: 21 variant alleles, 21 heterozygotes.
Comment: This missense variant replaces arginine with glutamine at codon 2160 of the DSP protein. Computational prediction suggests that this variant may not impact protein structure and function (internally defined REVEL score threshold <= 0.5, PMID: 27666373). To our knowledge, functional studies have not been reported for this variant. This variant has not been reported in individuals affected with cardiovascular disorders in the literature. This variant has been identified in 11/282760 chromosomes in the general population by the Genome Aggregation Database (gnomAD). The available evidence is insufficient to determine the role of this variant in disease conclusively. Therefore, this variant is classified as a Variant of Uncertain Significance.

This study involves interpretation of variants in research participants for the purpose of population health screening. Participant phenotype was not available at the time of variant classification. Additional details can be found in publication PMID: 35346344, PMCID: PMC8962531

Color Diagnostics, LLC DBA Color Health
Classification: Uncertain significance for Cardiomyopathy. Last evaluated: 2024-03-06. Review status: criteria provided, single submitter. Criteria: ACMG Guidelines, 2015. Collection method: clinical testing. Allele origin: germline.
Comment: This missense variant replaces arginine with glutamine at codon 2160 of the DSP protein. Computational prediction suggests that this variant may not impact protein structure and function (internally defined REVEL score threshold <= 0.5, PMID: 27666373). To our knowledge, functional studies have not been reported for this variant. This variant has not been reported in individuals affected with DSP-related disorders in the literature. This variant has been identified in 11/282760 chromosomes in the general population by the Genome Aggregation Database (gnomAD). The available evidence is insufficient to determine the role of this variant in disease conclusively. Therefore, this variant is classified as a Variant of Uncertain Significance.

Clinical Genomics Laboratory, Stanford Medicine
Classification: Uncertain significance for Arrhythmogenic right ventricular dysplasia 8; Cardiomyopathy, dilated, with wooly hair, keratoderma, and tooth agenesis; Arrhythmogenic cardiomyopathy with wooly hair and keratoderma. Last evaluated: 2022-07-20. Review status: criteria provided, single submitter. Criteria: ACMG Guidelines, 2015. Collection method: clinical testing. Allele origin: germline. Observed: 1 variant allele, 1 heterozygote.
Comment: The p.Arg2160Gln variant in the DSP gene has not been previously reported in association with disease. This variant has been identified in 4/24,952 African American chromosomes (11/282,760 chromosomes overall) by the Genome Aggregation Database. This variant is present in ClinVar (Accession: VCV000199904.27). Computational tools predict that this variant does not impact protein function; however, the accuracy of in silico algorithms is limited. These data were assessed using the ACMG/AMP variant interpretation guidelines. In summary, the significance of the p.Arg2160Gln variant is uncertain. Additional information is needed to resolve the significance of this variant. [ACMG evidence codes used: PM2; BP4]

Fulgent Genetics
Classification: Uncertain significance for Arrhythmogenic cardiomyopathy with wooly hair and keratoderma; Arrhythmogenic right ventricular dysplasia 8; Lethal acantholytic epidermolysis bullosa; Keratosis palmoplantaris striata 2; Cardiomyopathy, dilated, with wooly hair, keratoderma, and tooth agenesis. Last evaluated: 2021-08-26. Review status: criteria provided, single submitter. Criteria: ACMG Guidelines, 2015. Collection method: clinical testing. Allele origin: unknown.

Illumina Laboratory Services, Illumina
Classification: Uncertain significance for Lethal acantholytic epidermolysis bullosa. Last evaluated: 2018-01-12. Review status: criteria provided, single submitter. Criteria: ICSL Variant Classification Criteria 13 December 2019. Collection method: clinical testing. Allele origin: germline.

Illumina Laboratory Services, Illumina
Classification: Uncertain significance for Arrhythmogenic right ventricular dysplasia 8. Last evaluated: 2018-01-12. Review status: criteria provided, single submitter. Criteria: ICSL Variant Classification Criteria 13 December 2019. Collection method: clinical testing. Allele origin: germline.

Illumina Laboratory Services, Illumina
Classification: Uncertain significance for Arrhythmogenic cardiomyopathy with wooly hair and keratoderma. Last evaluated: 2018-01-12. Review status: criteria provided, single submitter. Criteria: ICSL Variant Classification Criteria 13 December 2019. Collection method: clinical testing. Allele origin: germline.